The following is an entry in ClinVar:

NM_001374504.1(TMPRSS6):c.1009G>A (p.Asp337Asn)

Gene: TMPRSS6 (transmembrane serine protease 6; minus strand). Cytogenetic location: 22q12.3.
Variant type: single nucleotide variant.
Coding change: c.1009G>A on transcript NM_001374504.1 (MANE Select); coding-DNA position 1009, G replaced by A.
Protein change: p.Asp337Asn; replaces aspartic acid 337 with asparagine.
Molecular consequence: missense variant.
Genome position (GRCh38, 1-based): chr22:37,084,804, C>T on the plus strand (G>A on the coding strand, the complement: TMPRSS6 is on the minus strand). VCF-style: chr22-37084804-C-T. GRCh37 (hg19) VCF-style: chr22-37480844-C-T.
Other names: c.1009G>A, p.Asp337Asn (NM_001289000.2, NM_001289001.2, NM_153609.4); short protein forms D337N.
Identifiers: ClinVar variation 2970117 (VCV002970117.3), dbSNP rs560612001, ClinGen allele CA10215809.

ClinVar aggregate classification (germline): Uncertain significance (1 of 4 stars; one submission).

Allele frequency attached by ClinVar (database versions not stated): gnomAD 0.00001; ExAC 0.00004; 1000 Genomes Project 30x 0.00016; 1000 Genomes Project 0.00020.
gnomAD v4.1: 16 of 1,560,782 alleles (0.001%); highest among the groups gnomAD compares: Admixed American, 0.0058%; no homozygotes.

Submission:

Labcorp Genetics (formerly Invitae), Labcorp
Classification: Uncertain significance. Last evaluated: 2024-02-05. Review status: criteria provided, single submitter. Criteria: Invitae Variant Classification Sherloc (09022015). Collection method: clinical testing. Allele origin: germline.
Comment: This sequence change replaces aspartic acid, which is acidic and polar, with asparagine, which is neutral and polar, at codon 346 of the TMPRSS6 protein (p.Asp346Asn). The frequency data for this variant in the population databases is considered unreliable, as metrics indicate poor data quality at this position in the gnomAD database. This variant has not been reported in the literature in individuals affected with TMPRSS6-related conditions. An algorithm developed to predict the effect of missense changes on protein structure and function (PolyPhen-2) suggests that this variant is likely to be tolerated. In summary, the available evidence is currently insufficient to determine the role of this variant in disease. Therefore, it has been classified as a Variant of Uncertain Significance.